The following is an entry in ClinVar:

ClinVar aggregate classification (germline): Uncertain significance (1 of 4 stars; one submission).

Allele frequency attached by ClinVar (database versions not stated): gnomAD exomes below 0.00001 and 0.00002; ExAC 0.00002.

Submission:

Labcorp Genetics (formerly Invitae), Labcorp
Classification: Uncertain significance. Last evaluated: 2024-02-24. Review status: criteria provided, single submitter. Criteria: Invitae Variant Classification Sherloc (09022015). Collection method: clinical testing. Allele origin: germline.
Comment: This sequence change replaces serine, which is neutral and polar, with proline, which is neutral and non-polar, at codon 257 of the MESP2 protein (p.Ser257Pro). This variant is present in population databases (rs776627766, gnomAD 0.009%). This variant has not been reported in the literature in individuals affected with MESP2-related conditions. ClinVar contains an entry for this variant (Variation ID: 1365389). Advanced modeling of protein sequence and biophysical properties (such as structural, functional, and spatial information, amino acid conservation, physicochemical variation, residue mobility, and thermodynamic stability) performed at Invitae indicates that this missense variant is not expected to disrupt MESP2 protein function with a negative predictive value of 80%. In summary, the available evidence is currently insufficient to determine the role of this variant in disease. Therefore, it has been classified as a Variant of Uncertain Significance.

NM_001039958.2(MESP2):c.769T>C (p.Ser257Pro)

Gene: MESP2 (mesoderm posterior bHLH transcription factor 2; plus strand). Cytogenetic location: 15q26.1.
Variant type: single nucleotide variant.
Coding change: c.769T>C on transcript NM_001039958.2 (MANE Select); coding-DNA position 769, T replaced by C.
Protein change: p.Ser257Pro; replaces serine 257 with proline.
Molecular consequence: missense variant.
Genome position (GRCh38, 1-based): chr15:89,777,126, T>C. VCF-style: chr15-89777126-T-C. GRCh37 (hg19) VCF-style: chr15-90320357-T-C.
Other names: short protein forms S257P.
Identifiers: ClinVar variation 1365389 (VCV001365389.5), dbSNP rs776627766, ClinGen allele CA7730502.